The following is an entry in ClinVar:

ClinVar aggregate classification (germline): Benign/Likely benign. Review status: criteria provided, multiple submitters, no conflicts (2 of 4 stars). 8 submissions from 8 submitters: Benign (1); Likely benign (5). 2 of the submissions do not count toward it. Last evaluated 2026-09-21.

Conditions:
DMD-related disorder. Also called: DMD-related condition.
Cardiomyopathy (CMYO). Also called: Cardiomyopathies. Identifiers: Orphanet 167848, MedGen C0878544, MONDO:0004994, HP:0001638. Inheritance: Various modes of inheritance.
Dystrophin deficiency.
Duchenne muscular dystrophy (DMD). Also called: Duchenne Muscular Dystrophy (DMD); MUSCULAR DYSTROPHY, PSEUDOHYPERTROPHIC PROGRESSIVE, DUCHENNE TYPE. Identifiers: Orphanet 98896, MedGen C0013264, MONDO:0010679, OMIM 310200.
Becker muscular dystrophy (BMD). Also called: MUSCULAR DYSTROPHY, PSEUDOHYPERTROPHIC PROGRESSIVE, BECKER TYPE; Becker Muscular Dystrophy (BMD). Identifiers: Orphanet 98895, MedGen C0917713, MONDO:0010311, OMIM 300376.

Allele frequency attached by ClinVar (database versions not stated): gnomAD exomes 0.00008 and 0.00039; gnomAD 0.00010; ESP Exome Variant Server 0.00019; TOPMed 0.00024; 1000 Genomes Project 0.00026; ExAC 0.00034; 1000 Genomes Project 30x 0.00042.
gnomAD v4.1: 91 of 1,207,726 alleles (0.0075%); highest among the groups gnomAD compares: Admixed American, 0.18%; no homozygotes.

Submissions (8):

Molecular Diagnostic Laboratory for Inherited Cardiovascular Disease, Montreal Heart Institute
Classification: Likely benign. Last evaluated: 2026-09-21. Review status: criteria provided, single submitter. Criteria: ACMG Guidelines, 2015. Collection method: clinical testing. Allele origin: germline. Affected: no.
Comment: BS1;BP4

CeGaT Center for Human Genetics Tuebingen
Classification: Likely benign. Last evaluated: 2026-09-01. Review status: criteria provided, single submitter. Criteria: CeGaT Center For Human Genetics Tuebingen Variant Classification Criteria Version 2. Collection method: clinical testing. Allele origin: germline. Affected: yes. Observed: 3 variant alleles.
Comment: DMD: BP4, BS2

Labcorp Genetics (formerly Invitae), Labcorp
Classification: Benign for Duchenne muscular dystrophy. Last evaluated: 2026-01-16. Review status: criteria provided, single submitter. Criteria: Invitae Variant Classification Sherloc (09022015). Collection method: clinical testing. Allele origin: germline.

Blueprint Genetics
Classification: Likely benign. Last evaluated: 2023-05-03. Review status: criteria provided, single submitter. Criteria: ACMG Guidelines, 2015. Collection method: clinical testing. Allele origin: germline.

GeneDx
Classification: Likely benign. Last evaluated: 2017-10-18. Review status: criteria provided, single submitter. Criteria: GeneDx Variant Classification (06012015). Collection method: clinical testing. Allele origin: germline. Affected: yes.
Comment: This variant is considered likely benign or benign based on one or more of the following criteria: it is a conservative change, it occurs at a poorly conserved position in the protein, it is predicted to be benign by multiple in silico algorithms, and/or has population frequency not consistent with disease.

Eurofins Ntd Llc (ga)
Classification: Likely benign. Last evaluated: 2017-03-14. Review status: criteria provided, single submitter. Criteria: EGL Classification Definitions 2015. Collection method: clinical testing. Allele origin: germline. Observed: 1 variant allele, 1 heterozygote.

PreventionGenetics, part of Exact Sciences
Classification: Likely benign for DMD-related condition. Last evaluated: 2024-06-08. Review status: no assertion criteria provided. Collection method: clinical testing. Allele origin: germline. Not counted in ClinVar's aggregate classification.
Comment: This variant is classified as likely benign based on ACMG/AMP sequence variant interpretation guidelines (Richards et al. 2015 PMID: 25741868, with internal and published modifications).

Natera, Inc.
Classification: Likely benign for Becker muscular dystrophy; Cardiomyopathy; Duchenne muscular dystrophy; Dystrophin deficiency. Last evaluated: 2019-06-21. Review status: no assertion criteria provided. Collection method: clinical testing. Allele origin: germline. Not counted in ClinVar's aggregate classification.

NM_004006.3(DMD):c.6614+8G>A

Gene: DMD (dystrophin; minus strand). Cytogenetic location: Xp21.1.
Variant type: single nucleotide variant.
Coding change: c.6614+8G>A on transcript NM_004006.3 (MANE Select); 8 bases into the intron after coding-DNA position 6614, G replaced by A.
Molecular consequence: intron variant.
Genome position (GRCh38, 1-based): chrX:31,968,331, C>T on the plus strand (G>A on the coding strand, the complement: DMD is on the minus strand). VCF-style: chrX-31968331-C-T. GRCh37 (hg19) VCF-style: chrX-31986448-C-T.
Other names: c.6590+8G>A (NM_000109.4); c.2591+8G>A (NM_004011.4); c.2582+8G>A (NM_004012.4); c.-767+8G>A (NM_004023.3, NM_004020.4, NM_004022.3 and 2 more transcripts); c.6602+8G>A (NM_004009.3); c.6245+8G>A (NM_004010.3).
Identifiers: ClinVar variation 500809 (VCV000500809.21), dbSNP rs377508818, ClinGen allele CA10378435.